The following is an entry in ClinVar:

ClinVar aggregate classification (germline): Likely benign. Review status: criteria provided, multiple submitters, no conflicts (2 of 4 stars). 3 submissions from 3 submitters: Likely benign (3). Last evaluated 2025-03-23.

Conditions:
Cardiomyopathy (CMYO). Also called: Cardiomyopathies. Identifiers: Orphanet 167848, MedGen C0878544, MONDO:0004994, HP:0001638. Inheritance: Various modes of inheritance.
Hypertrophic cardiomyopathy. Also called: HYPERTROPHIC MYOCARDIOPATHY. Identifiers: Orphanet 217569, MedGen C0007194, MeSH D002312, MONDO:0005045, HP:0001639.

Allele frequency attached by ClinVar (database versions not stated): gnomAD exomes 0.00001 and below 0.00001; gnomAD 0.00001; TOPMed 0.00001.
gnomAD v4.1: 10 of 1,613,778 alleles (0.00062%); highest among the groups gnomAD compares: African/African-American, 0.0013%; no homozygotes.

Submissions (3):

Labcorp Genetics (formerly Invitae), Labcorp
Classification: Likely benign for Hypertrophic cardiomyopathy. Last evaluated: 2025-03-23. Review status: criteria provided, single submitter. Criteria: Invitae Variant Classification Sherloc (09022015). Collection method: clinical testing. Allele origin: germline.

All of Us Research Program, National Institutes of Health
Classification: Likely benign for Hypertrophic cardiomyopathy. Last evaluated: 2023-12-13. Review status: criteria provided, single submitter. Criteria: ACMG Guidelines, 2015. Collection method: clinical testing. Allele origin: germline. Inheritance: Autosomal dominant inheritance. Observed: 2 variant alleles, 2 heterozygotes.
Comment: This study involves interpretation of variants in research participants for the purpose of population health screening. Participant phenotype was not available at the time of variant classification. Additional details can be found in publication PMID: 35346344, PMCID: PMC8962531

Color Diagnostics, LLC DBA Color Health
Classification: Likely benign for Cardiomyopathy. Last evaluated: 2018-11-21. Review status: criteria provided, single submitter. Criteria: ACMG Guidelines, 2015. Collection method: clinical testing. Allele origin: germline.

NM_000256.3(MYBPC3):c.1033C>T (p.Leu345=)

Gene: MYBPC3 (myosin binding protein C3; minus strand). Cytogenetic location: 11p11.2.
Variant type: single nucleotide variant.
Coding change: c.1033C>T on transcript NM_000256.3 (MANE Select); coding-DNA position 1033, C replaced by T.
Protein change: p.Leu345=; no amino-acid change (leucine 345 retained).
Molecular consequence: synonymous variant.
Genome position (GRCh38, 1-based): chr11:47,346,264, G>A on the plus strand (C>T on the coding strand, the complement: MYBPC3 is on the minus strand). VCF-style: chr11-47346264-G-A. GRCh37 (hg19) VCF-style: chr11-47367815-G-A.
Identifiers: ClinVar variation 921618 (VCV000921618.4), dbSNP rs1348098603, ClinGen allele CA474220850.